The following is an entry in ClinVar:

ClinVar aggregate classification (germline): Pathogenic/Likely pathogenic. Review status: criteria provided, multiple submitters, no conflicts (2 of 4 stars). 4 submissions from 4 submitters: Pathogenic (2); Likely pathogenic (2). Last evaluated 2024-09-18.

Conditions:
Cystinuria (CSNU). Also called: CYSTINURIA, TYPE I; CYSTINURIA, TYPE II; CYSTINURIA, TYPE III; Cystinuria, non-type I. Identifiers: Orphanet 214, MedGen C0010691, MONDO:0009067, OMIM 220100, HP:0003131.
SLC3A1-related disorder. Also called: SLC3A1-related condition.

gnomAD v4.1: 6 of 1,613,938 alleles (0.00037%); highest among the groups gnomAD compares: Admixed American, 0.0017%; no homozygotes.

Submissions (4):

Blueprint Genetics
Classification: Likely pathogenic for SLC3A1-related disorders. Last evaluated: 2024-09-18. Review status: criteria provided, single submitter. Criteria: ACMG Guidelines, 2015. Collection method: clinical testing. Allele origin: germline. Affected: yes. Observed: 5 variant alleles.

Labcorp Genetics (formerly Invitae), Labcorp
Classification: Pathogenic for Cystinuria. Last evaluated: 2022-09-09. Review status: criteria provided, single submitter. Criteria: Invitae Variant Classification Sherloc (09022015). Collection method: clinical testing. Allele origin: germline.
Comment: For these reasons, this variant has been classified as Pathogenic. This variant disrupts the p.Arg365 amino acid residue in SLC3A1. Other variant(s) that disrupt this residue have been determined to be pathogenic (PMID: 12234283, 14561219, 18332091, 25964309). This suggests that this residue is clinically significant, and that variants that disrupt this residue are likely to be disease-causing. Advanced modeling of protein sequence and biophysical properties (such as structural, functional, and spatial information, amino acid conservation, physicochemical variation, residue mobility, and thermodynamic stability) has been performed at Invitae for this missense variant, however the output from this modeling did not meet the statistical confidence thresholds required to predict the impact of this variant on SLC3A1 protein function. ClinVar contains an entry for this variant (Variation ID: 1458045). This missense change has been observed in individuals with cystinuria (PMID: 10464673, 16225397, 23532419; Invitae). This variant is present in population databases (rs567478582, gnomAD 0.003%). This sequence change replaces arginine, which is basic and polar, with leucine, which is neutral and non-polar, at codon 365 of the SLC3A1 protein (p.Arg365Leu).

MGZ Medical Genetics Center
Classification: Likely pathogenic for Cystinuria. Last evaluated: 2022-09-05. Review status: criteria provided, single submitter. Criteria: ACMG Guidelines, 2015. Collection method: clinical testing. Allele origin: germline. Affected: yes. Observed: 1 variant allele.
Comment: ACMG criteria applied: PM5, PM2_SUP, PP1, PP2, PP3

3billion
Classification: Pathogenic for Cystinuria. Review status: criteria provided, single submitter. Criteria: ACMG Guidelines, 2015. Collection method: clinical testing. Allele origin: unknown. Affected: yes. Observed: 1 homozygote.
Comment: The variant is observed at an extremely low frequency in the gnomAD v2.1.1 dataset (total allele frequency: <0.001%). In silico tool predictions suggest damaging effect of the variant on gene or gene product (REVEL: 0.96; 3Cnet: 0.69). Same nucleotide change resulting in same amino acid change has been previously reported as pathogenic/likely pathogenic with strong evidence (ClinVar ID: VCV001458045 / PMID: 10464673). Different missense changes at the same codon (p.Arg365Gln, p.Arg365Pro, p.Arg365Trp) have been reported as pathogenic/likely pathogenic with strong evidence (ClinVar ID: VCV000562304, VCV001076782 / PMID: 14991253, 16138908, 7573036 / 3billion dataset). Therefore, this variant is classified as Pathogenic according to the recommendation of ACMG/AMP guideline.

Literature cited by the submitters: PubMed 12234283 (cited by Labcorp Genetics (formerly Invitae), Labcorp); PubMed 14561219 (cited by Labcorp Genetics (formerly Invitae), Labcorp); PubMed 18332091 (cited by Labcorp Genetics (formerly Invitae), Labcorp); PubMed 25964309 (cited by Labcorp Genetics (formerly Invitae), Labcorp); PubMed 10464673 (cited by Labcorp Genetics (formerly Invitae), Labcorp and 3billion); PubMed 16225397 (cited by Labcorp Genetics (formerly Invitae), Labcorp); PubMed 23532419 (cited by Labcorp Genetics (formerly Invitae), Labcorp); PubMed 7573036 (cited by 3billion); PubMed 16138908 (cited by 3billion); PubMed 14991253 (cited by 3billion).

NM_000341.4(SLC3A1):c.1094G>T (p.Arg365Leu)

Gene: SLC3A1 (solute carrier family 3 member 1; plus strand). Cytogenetic location: 2p21.
Variant type: single nucleotide variant.
Coding change: c.1094G>T on transcript NM_000341.4 (MANE Select); coding-DNA position 1094, G replaced by T.
Protein change: p.Arg365Leu; replaces arginine 365 with leucine.
Molecular consequence: missense variant.
Genome position (GRCh38, 1-based): chr2:44,301,085, G>T. VCF-style: chr2-44301085-G-T. GRCh37 (hg19) VCF-style: chr2-44528224-G-T.
Other names: short protein forms R365L.
Identifiers: ClinVar variation 1458045 (VCV001458045.9), dbSNP rs567478582, ClinGen allele CA1640409.